The following is an entry in ClinVar:

ClinVar aggregate classification (germline): Uncertain significance (1 of 4 stars; one submission).

Conditions:
Inborn genetic diseases. Identifiers: MedGen C0950123, MeSH D030342.

Submission:

Ambry Genetics
Classification: Uncertain significance for Inborn genetic diseases. Last evaluated: 2026-07-27. Review status: criteria provided, single submitter. Criteria: Ambry Variant Classification Scheme 2023. Collection method: clinical testing. Allele origin: germline.
Comment: The p.R23G variant (also known as c.67C>G), located in coding exon 1 of the USB1 gene, results from a C to G substitution at nucleotide position 67. The arginine at codon 23 is replaced by glycine, an amino acid with dissimilar properties. This amino acid position is conserved. In addition, this alteration is predicted to be tolerated by in silico analysis. Based on the available evidence, the clinical significance of this variant remains unclear.

NM_024598.4(USB1):c.67C>G (p.Arg23Gly)

Genes: USB1 (U6 snRNA biogenesis phosphodiesterase 1; plus strand), LOC130059131 (ATAC-STARR-seq lymphoblastoid active region 10920; plus strand). Cytogenetic location: 16q21.
Variant type: single nucleotide variant.
Coding change: c.67C>G on transcript NM_024598.4 (MANE Select); coding-DNA position 67, C replaced by G.
Protein change: p.Arg23Gly; replaces arginine 23 with glycine.
Molecular consequence: missense variant. On other transcripts: intron variant (1).
Genome position (GRCh38, 1-based): chr16:58,001,550, C>G. VCF-style: chr16-58001550-C-G. GRCh37 (hg19) VCF-style: chr16-58035454-C-G.
Other names: c.67C>G, p.Arg23Gly (NM_001195302.2, NM_001204911.2, NM_001330569.2); c.-55-929C>G (NM_001330568.2); short protein forms R23G.
Identifiers: ClinVar variation 5031614 (VCV005031614.1).